The following is an entry in ClinVar:

ClinVar aggregate classification (germline): Uncertain significance (1 of 4 stars; one submission).

Conditions:
Multiple endocrine neoplasia, type 1 (MEN1). Also called: Endocrine adenomatosis multiple; MEN 1; MEA I; MEN I; WERMER SYNDROME. Identifiers: Orphanet 652, MedGen C0025267, MeSH D018761, MONDO:0007540, OMIM 131100.

Allele frequency attached by ClinVar (database versions not stated): gnomAD exomes below 0.00001.

Submission:

Labcorp Genetics (formerly Invitae), Labcorp
Classification: Uncertain significance for Multiple endocrine neoplasia, type 1. Last evaluated: 2023-07-03. Review status: criteria provided, single submitter. Criteria: Invitae Variant Classification Sherloc (09022015). Collection method: clinical testing. Allele origin: germline.
Comment: This sequence change replaces glycine, which is neutral and non-polar, with serine, which is neutral and polar, at codon 524 of the MEN1 protein (p.Gly524Ser). This variant is not present in population databases (gnomAD no frequency). This variant has not been reported in the literature in individuals affected with MEN1-related conditions. Advanced modeling of protein sequence and biophysical properties (such as structural, functional, and spatial information, amino acid conservation, physicochemical variation, residue mobility, and thermodynamic stability) performed at Invitae indicates that this missense variant is not expected to disrupt MEN1 protein function. In summary, the available evidence is currently insufficient to determine the role of this variant in disease. Therefore, it has been classified as a Variant of Uncertain Significance.

NM_001370259.2(MEN1):c.1570G>A (p.Gly524Ser)

Gene: MEN1 (menin 1; minus strand). Cytogenetic location: 11q13.1.
Variant type: single nucleotide variant.
Coding change: c.1570G>A on transcript NM_001370259.2 (MANE Select); coding-DNA position 1570, G replaced by A.
Protein change: p.Gly524Ser; replaces glycine 524 with serine.
Molecular consequence: missense variant. On other transcripts: non-coding transcript variant (4).
Genome position (GRCh38, 1-based): chr11:64,804,597, C>T on the plus strand (G>A on the coding strand, the complement: MEN1 is on the minus strand). VCF-style: chr11-64804597-C-T. GRCh37 (hg19) VCF-style: chr11-64572069-C-T.
Other names: c.1585G>A, p.Gly529Ser (NM_001407145.1, NM_130800.3, NM_130801.3 and 4 more transcripts); c.1570G>A, p.Gly524Ser (NM_001407146.1, NM_001407147.1, NM_130799.3 and 2 more transcripts); c.1465G>A, p.Gly489Ser (NM_001407148.1, NM_001407149.1, NM_001370262.2 and 1 more transcripts); c.1711G>A, p.Gly571Ser (NM_001407150.1); c.1591G>A, p.Gly531Ser (NM_001407151.1); c.1405G>A, p.Gly469Ser (NM_001407152.1); c.1696G>A, p.Gly566Ser (NM_001370251.2, NM_001407142.1, NM_001407143.1 and 1 more transcripts); short protein forms G469S, G489S, G566S, G531S, G571S, G529S, G524S.
Identifiers: ClinVar variation 2735675 (VCV002735675.3), dbSNP rs1565636817, ClinGen allele CA381178435.